The following is an entry in ClinVar:

ClinVar aggregate classification (germline): Uncertain significance (1 of 4 stars; one submission).

Conditions:
Joubert syndrome 21 (JBTS21). Identifiers: MedGen C3810212, MONDO:0014288, OMIM 615636.

Submission:

Labcorp Genetics (formerly Invitae), Labcorp
Classification: Uncertain significance for Joubert syndrome 21. Last evaluated: 2025-01-27. Review status: criteria provided, single submitter. Criteria: Invitae Variant Classification Sherloc (09022015). Collection method: clinical testing. Allele origin: germline.
Comment: This sequence change replaces leucine, which is neutral and non-polar, with valine, which is neutral and non-polar, at codon 652 of the CSPP1 protein (p.Leu652Val). This variant is not present in population databases (gnomAD no frequency). This variant has not been reported in the literature in individuals affected with CSPP1-related conditions. ClinVar contains an entry for this variant (Variation ID: 2045815). An algorithm developed to predict the effect of missense changes on protein structure and function (PolyPhen-2) suggests that this variant is likely to be disruptive. In summary, the available evidence is currently insufficient to determine the role of this variant in disease. Therefore, it has been classified as a Variant of Uncertain Significance.

NM_001382391.1(CSPP1):c.1969C>G (p.Leu657Val)

Gene: CSPP1 (centrosome and spindle pole associated protein 1; plus strand). Cytogenetic location: 8q13.2.
Variant type: single nucleotide variant.
Coding change: c.1969C>G on transcript NM_001382391.1 (MANE Select); coding-DNA position 1969, C replaced by G.
Protein change: p.Leu657Val; replaces leucine 657 with valine.
Molecular consequence: missense variant.
Genome position (GRCh38, 1-based): chr8:67,137,597, C>G. VCF-style: chr8-67137597-C-G. GRCh37 (hg19) VCF-style: chr8-68049832-C-G.
Other names: c.1072C>G, p.Leu358Val (NM_001291339.2); c.1888C>G, p.Leu630Val (NM_001363131.2); c.1927C>G, p.Leu643Val (NM_001363132.2); c.1846C>G, p.Leu616Val (NM_001363133.2); c.2035C>G, p.Leu679Val (NM_001364869.1); c.1855C>G, p.Leu619Val (NM_001364870.1); c.1954C>G, p.Leu652Val (NM_024790.7); short protein forms L616V, L630V, L679V, L619V, L643V, L657V, L358V, L652V.
Identifiers: ClinVar variation 2045815 (VCV002045815.2), dbSNP rs1168199441, ClinGen allele CA371206087.